The following is an entry in ClinVar:

NM_003742.4(ABCB11):c.1308+2T>A

Gene: ABCB11 (ATP binding cassette subfamily B member 11; minus strand). Cytogenetic location: 2q31.1.
Variant type: single nucleotide variant.
Coding change: c.1308+2T>A on transcript NM_003742.4 (MANE Select); the canonical splice donor site of the intron after coding-DNA position 1308, T replaced by A.
Molecular consequence: splice donor variant.
Genome position (GRCh38, 1-based): chr2:168,976,575, A>T on the plus strand (T>A on the coding strand, the complement: ABCB11 is on the minus strand). VCF-style: chr2-168976575-A-T. GRCh37 (hg19) VCF-style: chr2-169833085-A-T.
Identifiers: ClinVar variation 4846688 (VCV004846688.1).

ClinVar aggregate classification (germline): Pathogenic (1 of 4 stars; one submission).

Conditions:
Familial intrahepatic cholestasis. Identifiers: Orphanet 284385, MedGen CN296401, MONDO:0017290.

Submission:

Genomenon, Inc
Classification: Pathogenic for Familial intrahepatic cholestasis. Last evaluated: 2026-04-14. Review status: criteria provided, single submitter. Criteria: Genomenon Sequence Variant Interpretation Standards - Updated. Collection method: curation. Allele origin: germline. Affected: yes.
Comment: ABCB11 c.1308+2T>A is a canonical splice variant affecting the donor splice site of intron 12. It is predicted to affect mRNA splicing, leading to a deleterious effect on the ABCB11 protein. This variant has been observed in at least one proband with an ABCB11-related disorder (PMID:24214725). It is absent or not present at a significant frequency in gnomAD. In conclusion, we classify ABCB11 c.1308+2T>A as a pathogenic variant.

Literature cited by the submitters: PubMed 24214725.